The following is an entry in ClinVar:

NM_000213.5(ITGB4):c.1860+1G>A

Gene: ITGB4 (integrin subunit beta 4; plus strand). Cytogenetic location: 17q25.1.
Variant type: single nucleotide variant.
Coding change: c.1860+1G>A on transcript NM_000213.5 (MANE Select); the canonical splice donor site of the intron after coding-DNA position 1860, G replaced by A.
Molecular consequence: splice donor variant.
Genome position (GRCh38, 1-based): chr17:75,736,387, G>A. VCF-style: chr17-75736387-G-A. GRCh37 (hg19) VCF-style: chr17-73732468-G-A.
Other names: c.1860+1G>A (NM_001005619.2, NM_001005731.3, NM_001438834.1 and 1 more transcripts).
Identifiers: ClinVar variation 2813399 (VCV002813399.4), dbSNP rs764542651, ClinGen allele CA8769148.

ClinVar aggregate classification (germline): Likely pathogenic. Review status: criteria provided, multiple submitters, no conflicts (2 of 4 stars). 2 submissions from 2 submitters: Likely pathogenic (2). Last evaluated 2025-05-30.

Allele frequency attached by ClinVar (database versions not stated): ExAC 0.00001; gnomAD exomes 0.00001; TOPMed 0.00001.
gnomAD v4.1: 12 of 1,614,086 alleles (0.00074%); highest among the groups gnomAD compares: African/African-American, 0.0013%; no homozygotes.

Submissions (2):

GeneDx
Classification: Likely pathogenic. Last evaluated: 2025-05-30. Review status: criteria provided, single submitter. Criteria: GeneDx Variant Classification Process June 2021. Collection method: clinical testing. Allele origin: germline. Affected: yes.
Comment: Canonical splice site variant predicted to result in an in-frame loss of the adjacent exon in a gene for which loss of function is a known mechanism of disease; This variant is associated with the following publications: (PMID: 31851393, 32506467)

Labcorp Genetics (formerly Invitae), Labcorp
Classification: Likely pathogenic. Last evaluated: 2022-12-20. Review status: criteria provided, single submitter. Criteria: Invitae Variant Classification Sherloc (09022015). Collection method: clinical testing. Allele origin: germline.
Comment: This sequence change affects a donor splice site in intron 15 of the ITGB4 gene. It is expected to disrupt RNA splicing. Variants that disrupt the donor or acceptor splice site typically lead to a loss of protein function (PMID: 16199547), and loss-of-function variants in ITGB4 are known to be pathogenic (PMID: 11328943, 16473856). This variant is present in population databases (rs764542651, gnomAD 0.007%). This variant has not been reported in the literature in individuals affected with ITGB4-related conditions. Algorithms developed to predict the effect of sequence changes on RNA splicing suggest that this variant may disrupt the consensus splice site. In summary, the currently available evidence indicates that the variant is pathogenic, but additional data are needed to prove that conclusively. Therefore, this variant has been classified as Likely Pathogenic.

Literature cited by the submitters: PubMed 16199547 (cited by Labcorp Genetics (formerly Invitae), Labcorp); PubMed 11328943 (cited by Labcorp Genetics (formerly Invitae), Labcorp); PubMed 16473856 (cited by Labcorp Genetics (formerly Invitae), Labcorp).